The following is an entry in ClinVar:

NM_000883.4(IMPDH1):c.1040T>G (p.Leu347Arg)

Gene: IMPDH1 (inosine monophosphate dehydrogenase 1; minus strand). Cytogenetic location: 7q32.1.
Variant type: single nucleotide variant.
Coding change: c.1040T>G on transcript NM_000883.4 (MANE Select); coding-DNA position 1040, T replaced by G.
Protein change: p.Leu347Arg; replaces leucine 347 with arginine.
Molecular consequence: missense variant.
Genome position (GRCh38, 1-based): chr7:128,398,448, A>C on the plus strand (T>G on the coding strand, the complement: IMPDH1 is on the minus strand). VCF-style: chr7-128398448-A-C. GRCh37 (hg19) VCF-style: chr7-128038502-A-C.
Other names: c.1010T>G, p.Leu337Arg (NM_001102605.2); c.785T>G, p.Leu262Arg (NM_001142573.2); c.770T>G, p.Leu257Arg (NM_001142574.2); c.710T>G, p.Leu237Arg (NM_001142575.2); c.941T>G, p.Leu314Arg (NM_001142576.2); c.833T>G, p.Leu278Arg (NM_001304521.2); c.932T>G, p.Leu311Arg (NM_183243.3); short protein forms L257R, L278R, L337R, L314R, L347R, L237R, L262R, L311R.
Identifiers: ClinVar variation 3672070 (VCV003672070.2).

ClinVar aggregate classification (germline): Uncertain significance (1 of 4 stars; one submission).

gnomAD v4.1: 1 of 1,613,510 alleles (0.000062%); highest among the groups gnomAD compares: Non-Finnish European, 0.000085%; no homozygotes.

Submission:

Labcorp Genetics (formerly Invitae), Labcorp
Classification: Uncertain significance. Last evaluated: 2024-12-19. Review status: criteria provided, single submitter. Criteria: Invitae Variant Classification Sherloc (09022015). Collection method: clinical testing. Allele origin: germline.
Comment: This sequence change replaces leucine, which is neutral and non-polar, with arginine, which is basic and polar, at codon 347 of the IMPDH1 protein (p.Leu347Arg). This variant is not present in population databases (gnomAD no frequency). This variant has not been reported in the literature in individuals affected with IMPDH1-related conditions. An algorithm developed to predict the effect of missense changes on protein structure and function (PolyPhen-2) suggests that this variant is likely to be tolerated. In summary, the available evidence is currently insufficient to determine the role of this variant in disease. Therefore, it has been classified as a Variant of Uncertain Significance.